The following is an entry in ClinVar:

ClinVar aggregate classification (germline): Uncertain significance (1 of 4 stars; one submission).

Conditions:
Ataxia-telangiectasia syndrome (AT). Also called: Cerebello-oculocutaneous telangiectasia; Immunodeficiency with ataxia telangiectasia; LOUIS-BAR SYNDROME; AT, COMPLEMENTATION GROUP C; ATAXIA-TELANGIECTASIA, COMPLEMENTATION GROUP A; ATAXIA-TELANGIECTASIA, FRESNO VARIANT. Identifiers: Orphanet 100, MedGen C0004135, MONDO:0008840, OMIM 208900.

Allele frequency attached by ClinVar (database versions not stated): gnomAD exomes below 0.00001.

Submission:

Labcorp Genetics (formerly Invitae), Labcorp
Classification: Uncertain significance for Ataxia-telangiectasia syndrome. Last evaluated: 2019-10-04. Review status: criteria provided, single submitter. Criteria: Invitae Variant Classification Sherloc (09022015). Collection method: clinical testing. Allele origin: germline.
Comment: This variant has not been reported in the literature in individuals with ATM-related conditions. This sequence change replaces lysine with arginine at codon 1178 of the ATM protein (p.Lys1178Arg). The lysine residue is weakly conserved and there is a small physicochemical difference between lysine and arginine. This variant is not present in population databases (ExAC no frequency). Algorithms developed to predict the effect of missense changes on protein structure and function (SIFT, PolyPhen-2, Align-GVGD) all suggest that this variant is likely to be tolerated, but these predictions have not been confirmed by published functional studies and their clinical significance is uncertain. Algorithms developed to predict the effect of sequence changes on RNA splicing suggest that this variant may create or strengthen a splice site, but this prediction has not been confirmed by published transcriptional studies. In summary, the available evidence is currently insufficient to determine the role of this variant in disease. Therefore, it has been classified as a Variant of Uncertain Significance.

NM_000051.4(ATM):c.3533A>G (p.Lys1178Arg)

Gene: ATM (ATM serine/threonine kinase; plus strand). Cytogenetic location: 11q22.3.
Variant type: single nucleotide variant.
Coding change: c.3533A>G on transcript NM_000051.4 (MANE Select); coding-DNA position 3533, A replaced by G.
Protein change: p.Lys1178Arg; replaces lysine 1178 with arginine.
Molecular consequence: missense variant.
Genome position (GRCh38, 1-based): chr11:108,281,125, A>G. VCF-style: chr11-108281125-A-G. GRCh37 (hg19) VCF-style: chr11-108151852-A-G.
Other names: c.3533A>G, p.Lys1178Arg (NM_001351834.2); short protein forms K1178R.
Identifiers: ClinVar variation 937991 (VCV000937991.9), dbSNP rs1565442144, ClinGen allele CA382520206.